The following is an entry in ClinVar:

NM_015386.3(COG4):c.1167C>T (p.Asp389=)

Gene: COG4 (component of oligomeric golgi complex 4; minus strand). Cytogenetic location: 16q22.1.
Variant type: single nucleotide variant.
Coding change: c.1167C>T on transcript NM_015386.3 (MANE Select); coding-DNA position 1167, C replaced by T.
Protein change: p.Asp389=; no amino-acid change (aspartic acid 389 retained).
Molecular consequence: synonymous variant. On other transcripts: non-coding transcript variant (1).
Genome position (GRCh38, 1-based): chr16:70,500,986, G>A on the plus strand (C>T on the coding strand, the complement: COG4 is on the minus strand). VCF-style: chr16-70500986-G-A. GRCh37 (hg19) VCF-style: chr16-70534889-G-A.
Other names: c.1155C>T, p.Asp385= (NM_001195139.2); c.741C>T, p.Asp247= (NM_001365426.1).
Identifiers: ClinVar variation 384557 (VCV000384557.4), dbSNP rs953723899, ClinGen allele CA16607392.

ClinVar aggregate classification (germline): Likely benign. Review status: criteria provided, multiple submitters, no conflicts (2 of 4 stars). 2 submissions from 2 submitters: Likely benign (2). Last evaluated 2018-05-22.

Allele frequency attached by ClinVar (database versions not stated): gnomAD exomes 0.00001; gnomAD 0.00002; TOPMed 0.00002.

Submissions (2):

Labcorp Genetics (formerly Invitae), Labcorp
Classification: Likely benign. Last evaluated: 2018-05-22. Review status: criteria provided, single submitter. Criteria: Invitae Variant Classification Sherloc (09022015). Collection method: clinical testing. Allele origin: germline.

GeneDx
Classification: Likely benign. Last evaluated: 2016-04-13. Review status: criteria provided, single submitter. Criteria: GeneDx Variant Classification (06012015). Collection method: clinical testing. Allele origin: germline. Affected: yes.
Comment: This variant is considered likely benign or benign based on one or more of the following criteria: it is a conservative change, it occurs at a poorly conserved position in the protein, it is predicted to be benign by multiple in silico algorithms, and/or has population frequency not consistent with disease.